The following is an entry in ClinVar:

NM_020995.4(HPR):c.939G>A (p.Ala313=)

Gene: HPR (haptoglobin-related protein; plus strand). Cytogenetic location: 16q22.2.
Variant type: single nucleotide variant.
Coding change: c.939G>A on transcript NM_020995.4 (MANE Select); coding-DNA position 939, G replaced by A.
Protein change: p.Ala313=; no amino-acid change (alanine 313 retained).
Molecular consequence: synonymous variant.
Genome position (GRCh38, 1-based): chr16:72,076,973, G>A. VCF-style: chr16-72076973-G-A. GRCh37 (hg19) VCF-style: chr16-72110872-G-A.
Other names: c.579G>A, p.Ala193= (NM_001384360.1).
Identifiers: ClinVar variation 4820807 (VCV004820807.4).

ClinVar aggregate classification (germline): Likely benign (1 of 4 stars; one submission).

gnomAD v4.1: 6,290 of 1,614,200 alleles (0.39%); highest among the groups gnomAD compares: South Asian, 0.43%; 18 homozygotes.

Submission:

CeGaT Center for Human Genetics Tuebingen
Classification: Likely benign. Last evaluated: 2026-03-01. Review status: criteria provided, single submitter. Criteria: CeGaT Center For Human Genetics Tuebingen Variant Classification Criteria Version 2. Collection method: clinical testing. Allele origin: germline. Affected: yes. Observed: 1 variant allele.
Comment: HPR: BP4, BP7